The following is an entry in ClinVar:

ClinVar aggregate classification (germline): Likely benign. Review status: criteria provided, multiple submitters, no conflicts (2 of 4 stars). 3 submissions from 3 submitters: Likely benign (3). Last evaluated 2024-09-16.

Conditions:
Hereditary cancer-predisposing syndrome. Also called: Neoplastic Syndromes, Hereditary; Hereditary neoplastic syndrome; Tumor predisposition; Hereditary Cancer Syndrome. Identifiers: Orphanet 140162, MedGen C0027672, MeSH D009386, MONDO:0015356.
Hereditary diffuse gastric adenocarcinoma (HDGC). Also called: DIFFUSE GASTRIC AND LOBULAR BREAST CANCER SYNDROME. Identifiers: Orphanet 26106, MedGen C1708349, MONDO:0007648, OMIM 137215.

Allele frequency attached by ClinVar (database versions not stated): gnomAD exomes below 0.00001.

Submissions (3):

Myriad Genetics, Inc.
Classification: Likely benign for Hereditary diffuse gastric adenocarcinoma. Last evaluated: 2024-09-16. Review status: criteria provided, single submitter. Criteria: Myriad Autosomal Dominant, Autosomal Recessive and X-Linked Classification Criteria (2023). Collection method: clinical testing. Allele origin: unknown.
Comment: This variant is considered likely benign. This variant is intronic and is not expected to impact mRNA splicing.

Labcorp Genetics (formerly Invitae), Labcorp
Classification: Likely benign for Hereditary diffuse gastric adenocarcinoma. Last evaluated: 2024-07-29. Review status: criteria provided, single submitter. Criteria: Invitae Variant Classification Sherloc (09022015). Collection method: clinical testing. Allele origin: germline.

Ambry Genetics
Classification: Likely benign for Hereditary cancer-predisposing syndrome. Last evaluated: 2023-03-17. Review status: criteria provided, single submitter. Criteria: Ambry Variant Classification Scheme 2023. Collection method: clinical testing. Allele origin: germline.

NM_004360.5(CDH1):c.833-4C>T

Gene: CDH1 (cadherin 1; plus strand). Cytogenetic location: 16q22.1.
Variant type: single nucleotide variant.
Coding change: c.833-4C>T on transcript NM_004360.5 (MANE Select); 4 bases into the intron before coding-DNA position 833, C replaced by T.
Molecular consequence: intron variant.
Genome position (GRCh38, 1-based): chr16:68,811,680, C>T. VCF-style: chr16-68811680-C-T. GRCh37 (hg19) VCF-style: chr16-68845583-C-T.
Other names: c.833-4C>T (NM_004360.3, NM_001317184.2); c.-783-4C>T (NM_001317185.2); c.-987-4C>T (NM_001317186.2).
Identifiers: ClinVar variation 1620700 (VCV001620700.11), dbSNP rs1960833702, ClinGen allele CA2573152597.